The following is an entry in ClinVar:

NM_006389.5(HYOU1):c.2638G>A (p.Ala880Thr)

Gene: HYOU1 (hypoxia up-regulated 1; minus strand). Cytogenetic location: 11q23.3.
Variant type: single nucleotide variant.
Coding change: c.2638G>A on transcript NM_006389.5 (MANE Select); coding-DNA position 2638, G replaced by A.
Protein change: p.Ala880Thr; replaces alanine 880 with threonine.
Molecular consequence: missense variant.
Genome position (GRCh38, 1-based): chr11:119,046,760, C>T on the plus strand (G>A on the coding strand, the complement: HYOU1 is on the minus strand). VCF-style: chr11-119046760-C-T. GRCh37 (hg19) VCF-style: chr11-118917472-C-T.
Other names: c.2638G>A, p.Ala880Thr (NM_001130991.3); c.2638G>A (NM_006389.3); short protein forms A880T.
Identifiers: ClinVar variation 1036041 (VCV001036041.8), dbSNP rs147237122, ClinGen allele CA229617094.
Genomic context (GRCh38, chr11:119,046,760, plus strand): 5'-GGTCCAGGGCCATCATCTTAGCTTCAATGTCTTTTGAGAGCAACACAGGCTTCTCTGTGG[C>T]GGGCAGCTTAGCCTGCTCGGCCAGAGTTGCATTCTTCCAGGCCTGTGGGTGAGACCAGGA-3'
Protein context (NP_006380.1, residues 870-890): ATLAEQAKLP[Ala880Thr]TEKPVLLSKD

ClinVar aggregate classification (germline): Uncertain significance. Review status: criteria provided, multiple submitters, no conflicts (2 of 4 stars). 3 submissions from 3 submitters: Uncertain significance (3). Last evaluated 2026-01-11.

Allele frequency attached by ClinVar (database versions not stated): ESP Exome Variant Server 0.00031; gnomAD 0.00039 and 0.00040; ExAC 0.00046; TOPMed 0.00046; gnomAD exomes 0.00047 and 0.00066.
gnomAD v4.1: 1,010 of 1,604,180 alleles (0.063%); highest among the groups gnomAD compares: Middle Eastern, 0.58%; 1 homozygote.

Submissions (3):

Labcorp Genetics (formerly Invitae), Labcorp
Classification: Uncertain significance. Last evaluated: 2026-01-11. Review status: criteria provided, single submitter. Criteria: Invitae Variant Classification Sherloc (09022015). Collection method: clinical testing. Allele origin: germline.
Comment: This sequence change replaces alanine, which is neutral and non-polar, with threonine, which is neutral and polar, at codon 880 of the HYOU1 protein (p.Ala880Thr). This variant is present in population databases (rs147237122, gnomAD 0.07%), and has an allele count higher than expected for a pathogenic variant. This variant has not been reported in the literature in individuals affected with HYOU1-related conditions. ClinVar contains an entry for this variant (Variation ID: 1036041). An algorithm developed to predict the effect of missense changes on protein structure and function outputs the following: PolyPhen-2: "Not Available". The threonine amino acid residue is found in multiple mammalian species, which suggests that this missense change does not adversely affect protein function. In summary, the available evidence is currently insufficient to determine the role of this variant in disease. Therefore, it has been classified as a Variant of Uncertain Significance.

Ambry Genetics
Classification: Uncertain significance. Last evaluated: 2024-02-26. Review status: criteria provided, single submitter. Criteria: Ambry Variant Classification Scheme 2023. Collection method: clinical testing. Allele origin: germline.

Breakthrough Genomics
Classification: Uncertain significance. Review status: criteria provided, single submitter. Criteria: ACMG Guidelines, 2015. Collection method: not provided. Allele origin: germline. Inheritance: Autosomal recessive inheritance. Affected: yes.